The following is an entry in ClinVar:

ClinVar aggregate classification (germline): Likely pathogenic. Review status: criteria provided, multiple submitters, no conflicts (2 of 4 stars). 2 submissions from 2 submitters: Likely pathogenic (2). Last evaluated 2016-05-26.

Conditions:
Cardiovascular phenotype. Identifiers: MedGen CN230736.

Submissions (2):

Ambry Genetics
Classification: Likely pathogenic for Cardiovascular phenotype. Last evaluated: 2016-05-26. Review status: criteria provided, single submitter. Criteria: Ambry Variant Classification Scheme 2023. Collection method: clinical testing. Allele origin: germline.
Comment: The p.G186C variant (also known as c.556G>T), located in coding exon 3 of the KCNQ1 gene, results from a G to T substitution at nucleotide position 556. The glycine at codon 186 is replaced by cysteine, an amino acid with highly dissimilar properties. In vitro functional analysis suggests this alteration results in a significant reduction in channel current (Vanoye C et al. 2017.). Alterations at the same amino acid position, p.G186S and p.G186R, have been reported in patients with long QT syndrome (Zareba W et al. J Cardiovasc Electrophysiol. 2003;14(11):1149-53; Kapa S et al. Circulation. 2009;120(18):1752-60). This amino acid position is highly conserved in available vertebrate species. In addition, this alteration is predicted to be deleterious by in silico analysis. Based on the majority of available evidence to date, this variant is likely to be pathogenic.

GeneDx
Classification: Likely pathogenic. Last evaluated: 2016-05-02. Review status: criteria provided, single submitter. Criteria: GeneDx Variant Classification (06012015). Collection method: clinical testing. Allele origin: germline. Affected: yes.
Comment: The G186C variant has not been published as a pathogenic variant, nor has it been reported as a benign variant to our knowledge. The G186C variant was not observed in approximately 6,500 individuals of European and African American ancestry in the NHLBI Exome Sequencing Project, indicating it is not a common benign variant in these populations. The G186C variant is a non-conservative amino acid substitution, which is likely to impact secondary protein structure as these residues differ in polarity, charge, size and/or other properties. This substitution occurs at a position that is conserved across species and in silico analysis predicts this variant is probably damaging to the protein structure/function. Furthermore, a likely pathogenic variant affecting the same residue (G186S) and likely pathogenic and pathogenic variants in nearby residues (Y184H, Y184S, Y184C, Y184D, G189R, R190Q, R190W) have been reported in the Human Gene Mutation Database in association with LQTS (Stenson et al., 2014).Therefore, this variant is likely pathogenic

Literature cited by the submitters: PubMed 14678125 (cited by Ambry Genetics); PubMed 19841300 (cited by Ambry Genetics).

NM_000218.3(KCNQ1):c.556G>T (p.Gly186Cys)

Gene: KCNQ1 (potassium voltage-gated channel subfamily Q member 1; plus strand). Cytogenetic location: 11p15.5.
Variant type: single nucleotide variant.
Coding change: c.556G>T on transcript NM_000218.3 (MANE Select); coding-DNA position 556, G replaced by T.
Protein change: p.Gly186Cys; replaces glycine 186 with cysteine.
Molecular consequence: missense variant.
Genome position (GRCh38, 1-based): chr11:2,570,706, G>T. VCF-style: chr11-2570706-G-T. GRCh37 (hg19) VCF-style: chr11-2591936-G-T.
Other names: c.556G>T, p.Gly186Cys (NM_001406836.1); c.286G>T, p.Gly96Cys (NM_001406837.1); c.175G>T, p.Gly59Cys (NM_181798.2); short protein forms G186C, G59C, G96C.
Identifiers: ClinVar variation 432149 (VCV000432149.6), dbSNP rs199473398, ClinGen allele CA379129938.